The following is an entry in ClinVar:

ClinVar aggregate classification (germline): Conflicting classifications of pathogenicity. Review status: criteria provided, conflicting classifications (1 of 4 stars). 3 submissions from 3 submitters: Uncertain significance (2); Likely benign (1). Last evaluated 2026-01-28.

Conditions:
Inborn genetic diseases. Identifiers: MedGen C0950123, MeSH D030342.

Allele frequency attached by ClinVar (database versions not stated): gnomAD 0.00001; gnomAD exomes 0.00001 and 0.00005; TOPMed 0.00001; ExAC 0.00003.
gnomAD v4.1: 20 of 1,613,876 alleles (0.0012%); highest among the groups gnomAD compares: Admixed American, 0.023%; no homozygotes.

Submissions (3):

Labcorp Genetics (formerly Invitae), Labcorp
Classification: Likely benign. Last evaluated: 2026-01-28. Review status: criteria provided, single submitter. Criteria: Invitae Variant Classification Sherloc (09022015). Collection method: clinical testing. Allele origin: germline.

Ambry Genetics
Classification: Uncertain significance for Inborn genetic diseases. Last evaluated: 2025-08-11. Review status: criteria provided, single submitter. Criteria: Ambry Variant Classification Scheme 2023. Collection method: clinical testing. Allele origin: germline.

GeneDx
Classification: Uncertain significance. Last evaluated: 2025-07-23. Review status: criteria provided, single submitter. Criteria: GeneDx Variant Classification Process June 2021. Collection method: clinical testing. Allele origin: germline. Affected: yes.
Comment: In silico analysis suggests that this missense variant does not alter protein structure/function; Has not been previously published as pathogenic or benign to our knowledge

NM_032119.4(ADGRV1):c.14353A>G (p.Ile4785Val)

Gene: ADGRV1 (adhesion G protein-coupled receptor V1; plus strand). Cytogenetic location: 5q14.3.
Variant type: single nucleotide variant.
Coding change: c.14353A>G on transcript NM_032119.4 (MANE Select); coding-DNA position 14353, A replaced by G.
Protein change: p.Ile4785Val; replaces isoleucine 4785 with valine.
Molecular consequence: missense variant. On other transcripts: non-coding transcript variant (1).
Genome position (GRCh38, 1-based): chr5:90,791,182, A>G. VCF-style: chr5-90791182-A-G. GRCh37 (hg19) VCF-style: chr5-90086999-A-G.
Other names: short protein forms I4785V.
Identifiers: ClinVar variation 1316930 (VCV001316930.8), dbSNP rs773654115, ClinGen allele CA3341711.